The following is an entry in ClinVar:

ClinVar aggregate classification (germline): Conflicting classifications of pathogenicity. Review status: criteria provided, conflicting classifications (1 of 4 stars). 9 submissions from 9 submitters: Pathogenic (6); Likely pathogenic (1); Uncertain significance (1). 1 of the submissions does not count toward it. Last evaluated 2024-05-28.

Conditions:
Deficiency of steroid 11-beta-monooxygenase (CYP11B1). Also called: 11-BETA-HYDROXYLASE DEFICIENCY; ADRENAL HYPERPLASIA, CONGENITAL, DUE TO STEROID 11-BETA-HYDROXYLASE DEFICIENCY; P450C11B1 DEFICIENCY; STEROID 11-BETA-HYDROXYLASE DEFICIENCY; ADRENAL HYPERPLASIA IV; Congenital adrenal hyperplasia due to 11-beta-hydroxylase deficiency. Identifiers: Orphanet 90795, MedGen C0268292, MONDO:0008729, OMIM 202010. Disease mechanism: loss of function.
Glucocorticoid-remediable aldosteronism. Also called: ACTH-DEPENDENT HYPERALDOSTERONISM SYNDROME; ALDOSTERONISM, SENSITIVE TO DEXAMETHASONE; FH I; GLUCOCORTICOID-SUPPRESSIBLE HYPERALDOSTERONISM; Hyperaldosteronism, familial, type I. Identifiers: Orphanet 403, MedGen C3838731, MONDO:0007080, OMIM 103900.
Congenital adrenal hyperplasia. Identifiers: Orphanet 418, MedGen C0001627, MONDO:0018479, HP:0008258.

Allele frequency attached by ClinVar (database versions not stated): gnomAD exomes below 0.00001; gnomAD 0.00001; TOPMed 0.00001.
gnomAD v4.1: 7 of 1,613,404 alleles (0.00043%); highest among the groups gnomAD compares: Admixed American, 0.0017%; no homozygotes.

Submissions (9):

Fulgent Genetics
Classification: Pathogenic for Glucocorticoid-remediable aldosteronism; Deficiency of steroid 11-beta-monooxygenase. Last evaluated: 2024-05-28. Review status: criteria provided, single submitter. Criteria: ACMG Guidelines, 2015. Collection method: clinical testing. Allele origin: germline.

Baylor Genetics
Classification: Pathogenic for Deficiency of steroid 11-beta-monooxygenase. Last evaluated: 2023-12-29. Review status: criteria provided, single submitter. Criteria: ACMG Guidelines, 2015. Collection method: clinical testing. Allele origin: unknown.

Revvity Omics, Revvity
Classification: Pathogenic. Last evaluated: 2023-11-03. Review status: criteria provided, single submitter. Criteria: ACMG Guidelines, 2015. Collection method: clinical testing. Allele origin: germline.

Labcorp Genetics (formerly Invitae), Labcorp
Classification: Pathogenic. Last evaluated: 2023-09-21. Review status: criteria provided, single submitter. Criteria: Invitae Variant Classification Sherloc (09022015). Collection method: clinical testing. Allele origin: germline.
Comment: For these reasons, this variant has been classified as Pathogenic. Algorithms developed to predict the effect of sequence changes on RNA splicing suggest that this variant may disrupt the consensus splice site. ClinVar contains an entry for this variant (Variation ID: 552484). Disruption of this splice site has been observed in individuals with autosomal recessive adrenal hyperplasia and/or clinical features of autosomal recessive CYP11B1-related conditions (PMID: 28228528, 32561571, 33275286). This variant is present in population databases (no rsID available, gnomAD 0.004%). This sequence change affects a donor splice site in intron 3 of the CYP11B1 gene. It is expected to disrupt RNA splicing. Variants that disrupt the donor or acceptor splice site typically lead to a loss of protein function (PMID: 16199547), and loss-of-function variants in CYP11B1 are known to be pathogenic (PMID: 8506298, 26476331).

Women's Health and Genetics/Laboratory Corporation of America, LabCorp
Classification: Likely pathogenic for Congenital adrenal hyperplasia. Last evaluated: 2023-04-18. Review status: criteria provided, single submitter. Criteria: LabCorp Variant Classification Summary - May 2015. Collection method: clinical testing. Allele origin: germline.
Comment: Variant summary: CYP11B1 c.595+1G>A is located in a canonical splice-site and is predicted to affect mRNA splicing resulting in a significantly altered protein due to either exon skipping, shortening, or inclusion of intronic material. Several computational tools predict a significant impact on normal splicing: Four predict the variant abolishes a canonical 5' splicing donor site. However, these predictions have yet to be confirmed by functional studies. The variant allele was found at a frequency of 4e-06 in 249814 control chromosomes (gnomAD). c.595+1G>A has been reported in the literature in individuals affected with 11beta-hydroxylase deficiency (Karlekar_2021, Khattab_2017). These data indicate that the variant may be associated with disease. To our knowledge, no experimental evidence demonstrating an impact on protein function has been reported. Five ClinVar submitters have assessed the variant since 2014: one classified the variant as uncertain significance, one as likely pathogenic, and three as pathogenic. Based on the evidence outlined above, the variant was classified as likely pathogenic.

GeneDx
Classification: Uncertain significance. Last evaluated: 2022-03-03. Review status: criteria provided, single submitter. Criteria: GeneDx Variant Classification Process June 2021. Collection method: clinical testing. Allele origin: germline. Affected: yes.
Comment: Reported in patients with 11- beta hydroxylase deficiency who also harbor a missense variant in the CYP11B1 gene (Khattab et al., 2017; Karlekar et al., 2021); Identified in a patient with isolated hypertension and not other CYP11B1 variant were reported (Bao et al., 2020); Canonical splice site variant predicted to result in a null allele in a gene for which loss-of-function is a known mechanism of disease; This variant is associated with the following publications: (PMID: 32561571, 33275286, 28228528)

Internal Medicine, University of Pretoria
Classification: Pathogenic for Deficiency of steroid 11-beta-monooxygenase. Last evaluated: 2020-03-31. Review status: criteria provided, single submitter. Criteria: ACMG Guidelines, 2015. Collection method: clinical testing. Allele origin: germline. Inheritance: Autosomal recessive inheritance. Affected: yes. Observed: 1 compound heterozygote.
Comment: Abolishes a canonical splice site in intron3/exon3.

Eurofins Ntd Llc (ga)
Classification: Pathogenic. Last evaluated: 2018-03-30. Review status: criteria provided, single submitter. Criteria: EGL ClinVar v180209 classification definitions. Collection method: clinical testing. Allele origin: germline. Observed: 3 variant alleles, 1 heterozygote.

Counsyl
Classification: Likely pathogenic for Deficiency of steroid 11-beta-monooxygenase. Last evaluated: 2017-06-13. Review status: no assertion criteria provided. Collection method: clinical testing. Allele origin: unknown. Not counted in ClinVar's aggregate classification.

Literature cited by the submitters: PubMed 28228528 (cited by 3 submitters); PubMed 32561571 (cited by Labcorp Genetics (formerly Invitae), Labcorp and Women's Health and Genetics/Laboratory Corporation of America, LabCorp); PubMed 33275286 (cited by Labcorp Genetics (formerly Invitae), Labcorp and Women's Health and Genetics/Laboratory Corporation of America, LabCorp); PubMed 16199547 (cited by Labcorp Genetics (formerly Invitae), Labcorp); PubMed 8506298 (cited by Labcorp Genetics (formerly Invitae), Labcorp); PubMed 26476331 (cited by Labcorp Genetics (formerly Invitae), Labcorp); PubMed 3295546 (cited by Internal Medicine, University of Pretoria).

NM_000497.4(CYP11B1):c.595+1G>A

Genes: CYP11B1 (cytochrome P450 family 11 subfamily B member 1; minus strand), LOC106799833 (CYP11B1 recombination region; plus strand). Cytogenetic location: 8q24.3.
Variant type: single nucleotide variant.
Coding change: c.595+1G>A on transcript NM_000497.4 (MANE Select); the canonical splice donor site of the intron after coding-DNA position 595, G replaced by A.
Molecular consequence: splice donor variant.
Genome position (GRCh38, 1-based): chr8:142,877,022, C>T on the plus strand (G>A on the coding strand, the complement: CYP11B1 is on the minus strand). VCF-style: chr8-142877022-C-T. GRCh37 (hg19) VCF-style: chr8-143958438-C-T.
Other names: c.595+1G>A (NM_001026213.1).
Identifiers: ClinVar variation 552484 (VCV000552484.23), dbSNP rs1264073726, ClinGen allele CA372395826.